The following is an entry in ClinVar:

ClinVar aggregate classification (germline): Likely benign. Review status: criteria provided, multiple submitters, no conflicts (2 of 4 stars). 3 submissions from 3 submitters: Likely benign (3). Last evaluated 2026-07-01.

Conditions:
Early-infantile DEE. Also called: Early infantile epileptic encephalopathy with suppression bursts; Early infantile epileptic encephalopathy; Ohtahara syndrome. Identifiers: Orphanet 1934, MedGen C0393706, MONDO:0800491.

Allele frequency attached by ClinVar (database versions not stated): ExAC 0.00004; TOPMed 0.00008.
gnomAD v4.1: 21 of 1,571,152 alleles (0.0013%); highest among the groups gnomAD compares: Admixed American, 0.04%; no homozygotes.

Submissions (3):

CeGaT Center for Human Genetics Tuebingen
Classification: Likely benign. Last evaluated: 2026-07-01. Review status: criteria provided, single submitter. Criteria: CeGaT Center For Human Genetics Tuebingen Variant Classification Criteria Version 2. Collection method: clinical testing. Allele origin: germline. Affected: yes. Observed: 2 variant alleles.
Comment: KCNQ2: BP4, BP7

Labcorp Genetics (formerly Invitae), Labcorp
Classification: Likely benign for Early-infantile DEE. Last evaluated: 2025-11-03. Review status: criteria provided, single submitter. Criteria: Invitae Variant Classification Sherloc (09022015). Collection method: clinical testing. Allele origin: germline.

GeneDx
Classification: Likely benign. Last evaluated: 2018-06-12. Review status: criteria provided, single submitter. Criteria: GeneDx Variant Classification Process June 2021. Collection method: clinical testing. Allele origin: germline. Affected: yes.

NM_172107.4(KCNQ2):c.1209C>G (p.Leu403=)

Gene: KCNQ2 (potassium voltage-gated channel subfamily Q member 2; minus strand). Cytogenetic location: 20q13.33.
Variant type: single nucleotide variant.
Coding change: c.1209C>G on transcript NM_172107.4 (MANE Select); coding-DNA position 1209, C replaced by G.
Protein change: p.Leu403=; no amino-acid change (leucine 403 retained).
Molecular consequence: synonymous variant.
Genome position (GRCh38, 1-based): chr20:63,428,375, G>C on the plus strand (C>G on the coding strand, the complement: KCNQ2 is on the minus strand). VCF-style: chr20-63428375-G-C. GRCh37 (hg19) VCF-style: chr20-62059728-G-C.
Other names: c.1179C>G, p.Leu393= (NM_004518.6); c.1209C>G, p.Leu403= (NM_172106.3, NM_172108.5).
Identifiers: ClinVar variation 385129 (VCV000385129.19), dbSNP rs752280961, ClinGen allele CA9958573.